The following is an entry in ClinVar:

ClinVar aggregate classification (germline): Uncertain significance (1 of 4 stars; one submission).

Allele frequency attached by ClinVar (database versions not stated): gnomAD exomes below 0.00001; TOPMed 0.00001.
gnomAD v4.1: 3 of 1,614,074 alleles (0.00019%); no homozygotes.

Submission:

Labcorp Genetics (formerly Invitae), Labcorp
Classification: Uncertain significance. Last evaluated: 2021-08-17. Review status: criteria provided, single submitter. Criteria: Invitae Variant Classification Sherloc (09022015). Collection method: clinical testing. Allele origin: germline.
Comment: This variant has not been reported in the literature in individuals affected with SBF1-related conditions. This variant is not present in population databases (ExAC no frequency). This sequence change replaces glycine with glutamic acid at codon 1568 of the SBF1 protein (p.Gly1568Glu). The glycine residue is moderately conserved and there is a moderate physicochemical difference between glycine and glutamic acid. Algorithms developed to predict the effect of missense changes on protein structure and function are either unavailable or do not agree on the potential impact of this missense change (SIFT: "Tolerated"; PolyPhen-2: "Probably Damaging"; Align-GVGD: "Class C0"). In summary, the available evidence is currently insufficient to determine the role of this variant in disease. Therefore, it has been classified as a Variant of Uncertain Significance.

NM_002972.4(SBF1):c.4703G>A (p.Gly1568Glu)

Gene: SBF1 (SET binding factor 1; minus strand). Cytogenetic location: 22q13.33.
Variant type: single nucleotide variant.
Coding change: c.4703G>A on transcript NM_002972.4 (MANE Select); coding-DNA position 4703, G replaced by A.
Protein change: p.Gly1568Glu; replaces glycine 1568 with glutamic acid.
Molecular consequence: missense variant.
Genome position (GRCh38, 1-based): chr22:50,454,923, C>T on the plus strand (G>A on the coding strand, the complement: SBF1 is on the minus strand). VCF-style: chr22-50454923-C-T. GRCh37 (hg19) VCF-style: chr22-50893352-C-T.
Other names: c.4628G>A, p.Gly1543Glu (NM_001365819.1); short protein forms G1543E, G1568E.
Identifiers: ClinVar variation 1375610 (VCV001375610.5), dbSNP rs1239035259, ClinGen allele CA412193598.